The following is an entry in ClinVar:

ClinVar aggregate classification (germline): Likely benign (1 of 4 stars; one submission).

Conditions:
Malignant hyperthermia, susceptibility to, 1 (MHS1). Also called: Anesthesia related hyperthermia; Malignant hyperpyrexia; Fulminating hyperpyrexia; Pharmacogenic myopathy; Malignant hyperthermia suceptibility 1; RYR1-Related Malignant Hyperthermia Susceptibility. Identifiers: Orphanet 423, MedGen C2930980, MONDO:0007783, OMIM 145600.

Submission:

All of Us Research Program, National Institutes of Health
Classification: Likely benign for Malignant hyperthermia, susceptibility to, 1. Last evaluated: 2024-08-23. Review status: criteria provided, single submitter. Criteria: ACMG Guidelines, 2015. Collection method: clinical testing. Allele origin: germline. Inheritance: Autosomal dominant inheritance. Observed: 1 variant allele, 1 heterozygote.
Comment: This study involves interpretation of variants in research participants for the purpose of population health screening. Participant phenotype was not available at the time of variant classification. Additional details can be found in publication PMID: 35346344, PMCID: PMC8962531

NM_000540.3(RYR1):c.8727C>T (p.Asp2909=)

Gene: RYR1 (ryanodine receptor 1; plus strand). Cytogenetic location: 19q13.2.
Variant type: single nucleotide variant.
Coding change: c.8727C>T on transcript NM_000540.3 (MANE Select); coding-DNA position 8727, C replaced by T.
Protein change: p.Asp2909=; no amino-acid change (aspartic acid 2909 retained).
Molecular consequence: synonymous variant.
Genome position (GRCh38, 1-based): chr19:38,506,863, C>T. VCF-style: chr19-38506863-C-T. GRCh37 (hg19) VCF-style: chr19-38997503-C-T.
Other names: c.8727C>T, p.Asp2909= (NM_001042723.2).
Identifiers: ClinVar variation 3385481 (VCV003385481.1).